The following is an entry in ClinVar:

ClinVar aggregate classification (germline): Uncertain significance (1 of 4 stars; one submission).

Conditions:
Joubert syndrome 3 (JBTS3). Also called: AHI1-related Ciliopathy. Identifiers: Orphanet 220493, MedGen C1837713, MONDO:0012078, OMIM 608629.

Submission:

Broad Center for Mendelian Genomics, Broad Institute of MIT and Harvard
Classification: Uncertain significance for Joubert syndrome 3. Last evaluated: 2018-06-15. Review status: criteria provided, single submitter. Criteria: ACMG Guidelines, 2015. Collection method: research. Allele origin: germline. Inheritance: Autosomal recessive inheritance. Affected: yes.
Comment: This variant was absent from large population studies. The Glycine (Gly) at position 756 is highly conserved in mammals and evolutionarily distant species, raising the possibility that a change at this position may not be tolerated. Computational prediction tools do not provide strong support for or against an impact to the protein. In summary, the clinical significance of this variant is uncertain.

NM_001134831.2(AHI1):c.2267G>T (p.Gly756Val)

Gene: AHI1 (Abelson helper integration site 1; minus strand). Cytogenetic location: 6q23.3.
Variant type: single nucleotide variant.
Coding change: c.2267G>T on transcript NM_001134831.2 (MANE Select); coding-DNA position 2267, G replaced by T.
Protein change: p.Gly756Val; replaces glycine 756 with valine.
Molecular consequence: missense variant.
Genome position (GRCh38, 1-based): chr6:135,431,314, C>A on the plus strand (G>T on the coding strand, the complement: AHI1 is on the minus strand). VCF-style: chr6-135431314-C-A. GRCh37 (hg19) VCF-style: chr6-135752452-C-A.
Other names: c.2267G>T, p.Gly756Val (NM_001134830.2, NM_001134832.2, NM_001350503.2 and 2 more transcripts); short protein forms G756V.
Identifiers: ClinVar variation 635057 (VCV000635057.1), dbSNP rs372012542, ClinGen allele CA365743336.
Genomic context (GRCh38, chr6:135,431,314, plus strand): 5'-TTGACATAGGTATTCCAAACAACAATCACCCCTGTACAATCTCCTGAATACATATGATGA[C>A]CTATTTAAAAAAATAAGATCACTCACTTATGAATGTCACACAGAGTTAGAAACAAATAAT-3'
Protein context (NP_001128303.1, residues 746-766): FINSLCFDTE[Gly756Val]HHMYSGDCTG